The following is an entry in ClinVar:

NM_018990.4(SASH3):c.126C>T (p.Ser42=)

Gene: SASH3 (SAM and SH3 domain containing 3; plus strand). Cytogenetic location: Xq26.1.
Variant type: single nucleotide variant.
Coding change: c.126C>T on transcript NM_018990.4 (MANE Select); coding-DNA position 126, C replaced by T.
Protein change: p.Ser42=; no amino-acid change (serine 42 retained).
Molecular consequence: synonymous variant.
Genome position (GRCh38, 1-based): chrX:129,788,043, C>T. VCF-style: chrX-129788043-C-T. GRCh37 (hg19) VCF-style: chrX-128922019-C-T.
Other names: NC_000023.10:g.128922019C>T.
Identifiers: ClinVar variation 4470034 (VCV004470034.2).

ClinVar aggregate classification (germline): Uncertain significance (1 of 4 stars; one submission).

Submissions (2):

Women's Health and Genetics/Laboratory Corporation of America, LabCorp
Classification: Uncertain significance. Last evaluated: 2026-02-12. Review status: criteria provided, single submitter. Criteria: LabCorp Variant Classification Summary - May 2015. Collection method: clinical testing. Allele origin: germline.
Comment: Variant summary: SASH3 c.126C>T alters a conserved nucleotide resulting in a synonymous change. Several computational tools predict a significant impact on normal splicing: three predict the variant strengthens a cryptic 5' donor site and two predict the variant has no significant impact on splicing. However, these predictions have yet to be confirmed by functional studies. The variant allele was found at a frequency of 5.5e-06 in 181238 control chromosomes. The available data on variant occurrences in the general population are insufficient to allow any conclusion about variant significance. To our knowledge, no occurrence of c.126C>T in individuals affected with SASH3-related conditions and no experimental evidence demonstrating its impact on protein function have been reported. No submitters have cited clinical-significance assessments for this variant to ClinVar. Based on the evidence outlined above, the variant was classified as uncertain significance.

Dr. Peter K. Rogan Lab, Western University
No classification provided (evidence only). Condition: Nonpapillary renal cell carcinoma. Review status: no classification provided. Collection method: in vitro. Allele origin: not applicable. Functional consequence: retained intron. Not counted in ClinVar's aggregate classification.